The following is an entry in ClinVar:

NM_000094.4(COL7A1):c.4906G>A (p.Val1636Ile)

Gene: COL7A1 (collagen type VII alpha 1 chain; minus strand). Cytogenetic location: 3p21.31.
Variant type: single nucleotide variant.
Coding change: c.4906G>A on transcript NM_000094.4 (MANE Select); coding-DNA position 4906, G replaced by A.
Protein change: p.Val1636Ile; replaces valine 1636 with isoleucine.
Molecular consequence: missense variant.
Genome position (GRCh38, 1-based): chr3:48,581,151, C>T on the plus strand (G>A on the coding strand, the complement: COL7A1 is on the minus strand). VCF-style: chr3-48581151-C-T. GRCh37 (hg19) VCF-style: chr3-48618584-C-T.
Other names: short protein forms V1636I.
Identifiers: ClinVar variation 4738251 (VCV004738251.1).

ClinVar aggregate classification (germline): Uncertain significance (1 of 4 stars; one submission).

gnomAD v4.1: 3 of 1,613,866 alleles (0.00019%); highest among the groups gnomAD compares: Non-Finnish European, 0.00025%; no homozygotes.

Submission:

Labcorp Genetics (formerly Invitae), Labcorp
Classification: Uncertain significance. Last evaluated: 2025-10-23. Review status: criteria provided, single submitter. Criteria: Invitae Variant Classification Sherloc (09022015). Collection method: clinical testing. Allele origin: germline.
Comment: This sequence change replaces valine, which is neutral and non-polar, with isoleucine, which is neutral and non-polar, at codon 1636 of the COL7A1 protein (p.Val1636Ile). This variant is present in population databases (rs374596583, gnomAD 0.004%). This variant has not been reported in the literature in individuals affected with COL7A1-related conditions. Invitae Evidence Modeling of protein sequence and biophysical properties (such as structural, functional, and spatial information, amino acid conservation, physicochemical variation, residue mobility, and thermodynamic stability) indicates that this missense variant is not expected to disrupt COL7A1 protein function with a negative predictive value of 95%. In summary, the available evidence is currently insufficient to determine the role of this variant in disease. Therefore, it has been classified as a Variant of Uncertain Significance.